The following is an entry in ClinVar:

ClinVar aggregate classification (germline): Conflicting classifications of pathogenicity. Review status: criteria provided, conflicting classifications (1 of 4 stars). 4 submissions from 4 submitters: Pathogenic (1); Likely pathogenic (1); Uncertain significance (1). 1 of the submissions does not count toward it. Last evaluated 2025-05-22.

Conditions:
SHANK2-related disorder.
Autism spectrum disorder. Also called: Autism spectrum disorders. Identifiers: MedGen C1510586, MeSH D000067877, MONDO:0005258.
Autism, susceptibility to, 17. Also called: Autism susceptibility 17. Identifiers: MedGen C3150693, MONDO:0013265, OMIM 613436.

Submissions (4):

GeneDx
Classification: Pathogenic. Last evaluated: 2025-05-22. Review status: criteria provided, single submitter. Criteria: GeneDx Variant Classification Process June 2021. Collection method: clinical testing. Allele origin: germline. Affected: yes.
Comment: Has not been previously reported as pathogenic or benign in association with SHANK2-related disorders to our knowledge; Nonsense variant predicted to result in protein truncation or nonsense mediated decay in a gene for which loss of function is a known mechanism of disease; Not observed at significant frequency in large population cohorts (gnomAD); This variant is associated with the following publications: (PMID: 36475376)

Blueprint Genetics
Classification: Likely pathogenic for SHANK2-related disorders. Last evaluated: 2023-07-11. Review status: criteria provided, single submitter. Criteria: ACMG Guidelines, 2015. Collection method: clinical testing. Allele origin: germline. Affected: yes. Observed: 4 variant alleles.

UNC Molecular Genetics  Laboratory, University of North Carolina at Chapel Hill
Classification: Uncertain significance for Autism spectrum disorder. Last evaluated: 2020-05-01. Review status: criteria provided, single submitter. Criteria: ACMG Guidelines, 2015. Collection method: research. Allele origin: germline. Observed: 1 variant allele. Study: CSER_NCGENES.
Comment: The SHANK2 c.4906C>T (p.Arg1636*) is a nonsense variant that is predicted to result in early protein truncation. However, this variant is located 74 nucleotides from the intron/exon junction of the penultimate exon of the SHANK2 gene and therefore may escape, or be subject to reduced nonsense-mediated RNA decay (NMD). This variant has not been reported previously in the medical literature or in human population variant databases such as gnomAD, and is considered a variant of uncertain clinical significance.

Biochemical Molecular Genetic Laboratory, King Abdulaziz Medical City
Classification: Likely pathogenic for Autism, susceptibility to, 17. Last evaluated: 2020-02-05. Review status: no assertion criteria provided. Collection method: clinical testing. Allele origin: germline. Affected: yes. Not counted in ClinVar's aggregate classification.

NM_012309.5(SHANK2):c.4906C>T (p.Arg1636Ter)

Gene: SHANK2 (SH3 and multiple ankyrin repeat domains 2; minus strand). Cytogenetic location: 11q13.3.
Variant type: single nucleotide variant.
Coding change: c.4906C>T on transcript NM_012309.5 (MANE Select); coding-DNA position 4906, C replaced by T.
Protein change: p.Arg1636Ter; replaces arginine 1636 with a stop codon.
Molecular consequence: nonsense.
Genome position (GRCh38, 1-based): chr11:70,485,387, G>A on the plus strand (C>T on the coding strand, the complement: SHANK2 is on the minus strand). VCF-style: chr11-70485387-G-A. GRCh37 (hg19) VCF-style: chr11-70331492-G-A.
Other names: c.3142C>T, p.Arg1048Ter (NM_133266.5); c.3769C>T, p.Arg1257Ter (NM_001379226.1); short protein forms R1636*, R1048*, R1257*.
Identifiers: ClinVar variation 620503 (VCV000620503.8), dbSNP rs1565526121, ClinGen allele CA381679582.